The following is an entry in ClinVar:

ClinVar aggregate classification (germline): Uncertain significance. Review status: criteria provided, multiple submitters, no conflicts (2 of 4 stars). 2 submissions from 2 submitters: Uncertain significance (2). Last evaluated 2026-05-08.

Conditions:
Hereditary cancer-predisposing syndrome. Also called: Neoplastic Syndromes, Hereditary; Tumor predisposition; Hereditary Cancer Syndrome; Hereditary neoplastic syndrome. Identifiers: Orphanet 140162, MedGen C0027672, MeSH D009386, MONDO:0015356.
Familial adenomatous polyposis 1 (FAP1). Also called: FAMILIAL ADENOMATOUS POLYPOSIS 1, ATTENUATED; POLYPOSIS, ADENOMATOUS INTESTINAL. Identifiers: MedGen C2713442, MONDO:0021056, OMIM 175100. Disease mechanism: loss of function.

Submissions (2):

Ambry Genetics
Classification: Uncertain significance for Hereditary cancer-predisposing syndrome. Last evaluated: 2026-05-08. Review status: criteria provided, single submitter. Criteria: Ambry Variant Classification Scheme 2023. Collection method: clinical testing. Allele origin: germline.
Comment: The p.P1843H variant (also known as c.5528C>A), located in coding exon 15 of the APC gene, results from a C to A substitution at nucleotide position 5528. The proline at codon 1843 is replaced by histidine, an amino acid with similar properties. This amino acid position is highly conserved in available vertebrate species. In addition, in silico predictors for this gene do not accurately predict pathogenicity. Missense variants in APC are not a common cause of disease (Spier I et al. Genet Med. 2024 Feb;26(2):100992). Based on the available evidence, the clinical significance of this variant remains unclear.

Labcorp Genetics (formerly Invitae), Labcorp
Classification: Uncertain significance for Familial adenomatous polyposis 1. Last evaluated: 2022-06-28. Review status: criteria provided, single submitter. Criteria: Invitae Variant Classification Sherloc (09022015). Collection method: clinical testing. Allele origin: germline.
Comment: In summary, the available evidence is currently insufficient to determine the role of this variant in disease. Therefore, it has been classified as a Variant of Uncertain Significance. Algorithms developed to predict the effect of missense changes on protein structure and function are either unavailable or do not agree on the potential impact of this missense change (SIFT: "Deleterious"; PolyPhen-2: "Probably Damaging"; Align-GVGD: "Class C0"). This variant has not been reported in the literature in individuals affected with APC-related conditions. This variant is not present in population databases (gnomAD no frequency). This sequence change replaces proline, which is neutral and non-polar, with histidine, which is basic and polar, at codon 1843 of the APC protein (p.Pro1843His).

NM_000038.6(APC):c.5528C>A (p.Pro1843His)

Gene: APC (APC regulator of Wnt signaling pathway; plus strand). Cytogenetic location: 5q22.2.
Variant type: single nucleotide variant.
Coding change: c.5528C>A on transcript NM_000038.6 (MANE Select); coding-DNA position 5528, C replaced by A.
Protein change: p.Pro1843His; replaces proline 1843 with histidine.
Molecular consequence: missense variant.
Genome position (GRCh38, 1-based): chr5:112,841,122, C>A. VCF-style: chr5-112841122-C-A. GRCh37 (hg19) VCF-style: chr5-112176819-C-A.
Other names: c.5528C>A, p.Pro1843His (NM_001127510.3, NM_001354895.2, NM_001407450.1); c.5474C>A, p.Pro1825His (NM_001127511.3); c.5582C>A, p.Pro1861His (NM_001354896.2, NM_001407447.1, NM_001407448.1 and 1 more transcripts); c.5612C>A, p.Pro1871His (NM_001407446.1); c.5507C>A, p.Pro1836His (NM_001407451.1); c.5498C>A, p.Pro1833His (NM_001407452.1); c.5351C>A, p.Pro1784His (NM_001407453.1, NM_001354901.2); c.5279C>A, p.Pro1760His (NM_001407454.1, NM_001407455.1, NM_001407456.1 and 1 more transcripts); and 12 more; short protein forms P1742H, P1752H, P1818H, P1836H, P1560H, P1714H, P1717H, P1802H.
Identifiers: ClinVar variation 2011713 (VCV002011713.5), dbSNP rs368080169, ClinGen allele CA16033426.
Genomic context (GRCh38, chr5:112,841,122, plus strand): 5'-TCAATGATAAGCTCCCAAATAATGAAGATAGAGTCAGAGGAAGTTTTGCTTTTGATTCAC[C>A]TCATCATTACACGCCTATTGAAGGAACTCCTTACTGTTTTTCACGAAATGATTCTTTGAG-3'
Protein context (NP_000029.2, residues 1833-1853): RVRGSFAFDS[Pro1843His]HHYTPIEGTP